The following is an entry in ClinVar:

ClinVar aggregate classification (germline): Uncertain significance (1 of 4 stars; one submission).

Conditions:
Mitochondrial complex II deficiency, nuclear type 1. Also called: SUCCINATE CoQ REDUCTASE DEFICIENCY. Identifiers: Orphanet 3208, MedGen C5700310, MONDO:0100294, OMIM 252011.
Pheochromocytoma/paraganglioma syndrome 5. Also called: Paragangliomas 5; SDHA-Related Hereditary Paraganglioma-Pheochromocytoma Syndrome. Identifiers: Orphanet 29072, MedGen C3279992, MONDO:0013602, OMIM 614165.

Submission:

Labcorp Genetics (formerly Invitae), Labcorp
Classification: Uncertain significance for Pheochromocytoma/paraganglioma syndrome 5; Mitochondrial complex II deficiency, nuclear type 1. Last evaluated: 2025-05-11. Review status: criteria provided, single submitter. Criteria: Invitae Variant Classification Sherloc (09022015). Collection method: clinical testing. Allele origin: germline.
Comment: This sequence change replaces cysteine, which is neutral and slightly polar, with tyrosine, which is neutral and polar, at codon 190 of the SDHA protein (p.Cys190Tyr). This variant is not present in population databases (gnomAD no frequency). This variant has not been reported in the literature in individuals affected with SDHA-related conditions. Invitae Evidence Modeling of protein sequence and biophysical properties (such as structural, functional, and spatial information, amino acid conservation, physicochemical variation, residue mobility, and thermodynamic stability) has been performed for this missense variant. However, the output from this modeling did not meet the statistical confidence thresholds required to predict the impact of this variant on SDHA protein function. In summary, the available evidence is currently insufficient to determine the role of this variant in disease. Therefore, it has been classified as a Variant of Uncertain Significance.

NM_004168.4(SDHA):c.569G>A (p.Cys190Tyr)

Gene: SDHA (succinate dehydrogenase complex flavoprotein subunit A; plus strand). Cytogenetic location: 5p15.33.
Variant type: single nucleotide variant.
Coding change: c.569G>A on transcript NM_004168.4 (MANE Select); coding-DNA position 569, G replaced by A.
Protein change: p.Cys190Tyr; replaces cysteine 190 with tyrosine.
Molecular consequence: missense variant.
Genome position (GRCh38, 1-based): chr5:225,995, G>A. VCF-style: chr5-225995-G-A. GRCh37 (hg19) VCF-style: chr5-226110-G-A.
Other names: c.425G>A, p.Cys142Tyr (NM_001294332.2); c.569G>A, p.Cys190Tyr (NM_001330758.2); short protein forms C142Y, C190Y.
Identifiers: ClinVar variation 4793804 (VCV004793804.1).